The following is an entry in ClinVar:

NM_000071.3(CBS):c.451G>A (p.Gly151Arg)

Gene: CBS (cystathionine beta-synthase; minus strand). Cytogenetic location: 21q22.3.
Variant type: single nucleotide variant.
Coding change: c.451G>A on transcript NM_000071.3 (MANE Select); coding-DNA position 451, G replaced by A.
Protein change: p.Gly151Arg; replaces glycine 151 with arginine.
Molecular consequence: missense variant.
Genome position (GRCh38, 1-based): chr21:43,066,243, C>T on the plus strand (G>A on the coding strand, the complement: CBS is on the minus strand). VCF-style: chr21-43066243-C-T. GRCh37 (hg19) VCF-style: chr21-44486353-C-T.
Other names: c.451G>A, p.Gly151Arg (NM_001178008.3, NM_001178009.3, NM_001320298.2); c.136G>A, p.Gly46Arg (NM_001321072.1); short protein forms G151R, G46R.
Identifiers: ClinVar variation 863694 (VCV000863694.26), dbSNP rs373782713, ClinGen allele CA321097418.
Genomic context (GRCh38, chr21:43,066,243, plus strand): 5'-AGGCTCGGCATGGGTAGGGGACAGCCAGCCCTGGCCACCCCCTCTGGGCCTGGCACCCAC[C>T]GGTGTTCCCGGATGTCGGCTCGATAATCGTGTCCCCGGGCTTCAGCGTCCCGTCGCGCTC-3'
Protein context (NP_000062.1, residues 141-161): TIIEPTSGNT[Gly151Arg]IGLALAAAVR

ClinVar aggregate classification (germline): Pathogenic. Review status: criteria provided, multiple submitters, no conflicts (2 of 4 stars). 8 submissions from 8 submitters: Pathogenic (7). 1 of the submissions does not count toward it. Last evaluated 2026-08-06.

Conditions:
HYPERHOMOCYSTEINEMIA, THROMBOTIC, CBS-RELATED. Identifiers: MedGen C3150344, OMIM 236200.
CBS-related disorder. Also called: CBS-related condition.
Classic homocystinuria. Also called: HOMOCYSTINURIA WITH OR WITHOUT RESPONSE TO PYRIDOXINE; Homocystinuria due to Cystathionine Beta-Synthase Deficiency; Homocystinuria due to CBS deficiency; Cystathionine beta-synthase deficiency; CBS deficiency. Identifiers: Orphanet 394, MedGen C0751202, MONDO:0009352, OMIM 236200.
Familial thoracic aortic aneurysm and aortic dissection (TAAD). Also called: Thoracic aortic aneurysms and dissections. Identifiers: Orphanet 91387, MedGen C4707243, MONDO:0019625.
Homocystinuria. Identifiers: MedGen C0019880, MONDO:0004737, HP:0002156.

Allele frequency attached by ClinVar (database versions not stated): gnomAD exomes 0.00002; ESP Exome Variant Server 0.00008; gnomAD 0.00004.

Submissions (8):

OLLIN Analises Genomicas, OLLIN
Classification: Pathogenic for Classic homocystinuria. Last evaluated: 2026-08-06. Review status: criteria provided, single submitter. Criteria: ACMG Guidelines 2015 PMID 25741868. Collection method: clinical testing. Allele origin: germline. Inheritance: Autosomal recessive inheritance.
Comment: This missense variant, located in exon 5 (of 17), has been reported in ClinVar (accession VCV000582499.10), in gnomAD with an allele frequency of 0.0018%, and in the scientific literature, in compound heterozygosity, in individuals with CBS related disorders (PMID: 10338090, 16307898, 29352562, 15365998, 22267502). Functional studies suggest that this variant may affect protein function, and in silico analysis predicts a deleterious effect (PMID: 10338090, 16307898, 29352562). According to the currently available evidence, this variant has been classified as pathogenic (PS3_P, PM3_VS, PP3_S).

Labcorp Genetics (formerly Invitae), Labcorp
Classification: Pathogenic for HYPERHOMOCYSTEINEMIA, THROMBOTIC, CBS-RELATED. Last evaluated: 2026-01-25. Review status: criteria provided, single submitter. Criteria: Invitae Variant Classification Sherloc (09022015). Collection method: clinical testing. Allele origin: germline.
Comment: This sequence change replaces glycine, which is neutral and non-polar, with arginine, which is basic and polar, at codon 151 of the CBS protein (p.Gly151Arg). This variant also falls at the last nucleotide of exon 5, which is part of the consensus splice site for this exon. This variant is present in population databases (rs373782713, gnomAD 0.008%). This missense change has been observed in individuals with homocystinuria (PMID: 10338090, 15365998, 16307898, 29352562). ClinVar contains an entry for this variant (Variation ID: 863694). An algorithm developed to predict the effect of missense changes on protein structure and function (PolyPhen-2) suggests that this variant is likely to be disruptive. Experimental studies have shown that this missense change affects CBS function (PMID: 16307898, 20066033, 22267502). Variants that disrupt the consensus splice site are a relatively common cause of aberrant splicing (PMID: 17576681, 9536098). For these reasons, this variant has been classified as Pathogenic.

Ambry Genetics
Classification: Pathogenic for Familial thoracic aortic aneurysm and aortic dissection. Last evaluated: 2026-01-08. Review status: criteria provided, single submitter. Criteria: Ambry Variant Classification Scheme 2023. Collection method: clinical testing. Allele origin: germline.
Comment: The p.G151R pathogenic mutation (also known as c.451G>A), located in coding exon 3 of the CBS gene, results from a G to A substitution at nucleotide position 451. The amino acid change results in glycine to arginine at codon 151, an amino acid with dissimilar properties. However, this change occurs in the last base pair of coding exon 3, which makes it likely to have some effect on normal mRNA splicing. This variant has been observed in multiple individuals with homocystinuria, some of whom were homozygous or compound heterozygous with another CBS alteration (Kraus JP et al. Hum. Mutat., 1999;13:362-75; Linnebank M et al. Hum. Mutat., 2004 Oct;24:352-3; Katsushima F et al. Mol. Genet. Metab., 2006 Apr;87:323-8; Poloni S et al. Mol Genet Genomic Med, 2018 03;6:160-170). An in vitro assay involving yeast plasmids showed that cells with this alteration required glutathione supplementation to support growth, indicating severe loss of function (Mayfield JA et al. Genetics, 2012 Apr;190:1309-23). This variant is considered to be rare based on population cohorts in the Genome Aggregation Database (gnomAD). This nucleotide position is highly conserved in available vertebrate species. In silico splice site analysis predicts that this alteration will not have any significant effect on splicing. This amino acid position is highly conserved in available vertebrate species. In addition, as a missense substitution this is predicted to be deleterious by in silico analysis. Based on the supporting evidence, this variant is interpreted as a disease-causing mutation.

Natera, Inc.
Classification: Pathogenic for Homocystinuria due to cystathionine beta-synthase deficiency. Last evaluated: 2025-03-13. Review status: criteria provided, single submitter. Criteria: Natera Variant Classification Schema (03/2026). Collection method: clinical testing. Allele origin: germline.
Comment: The c.451G>A variant in CBS is a missense variant predicted to cause substitution of glycine to arginine at amino acid 151. This variant is rare in the general population with a frequency below the threshold expected for the associated phenotype(s). This variant has been observed in one or more individuals affected with the associated recessive disease, as either homozygous or compound heterozygous with a second variant (PMID: 29352562). Additionally, this variant has been observed to segregate in affected family members (PMID: 29352562). Computational prediction algorithms indicate this variant is likely to affect gene or protein function. Given the available evidence, this variant is classified as Pathogenic.

Baylor Genetics
Classification: Pathogenic for Classic homocystinuria. Last evaluated: 2024-02-22. Review status: criteria provided, single submitter. Criteria: ACMG Guidelines, 2015. Collection method: clinical testing. Allele origin: unknown.

GeneDx
Classification: Pathogenic. Last evaluated: 2022-10-18. Review status: criteria provided, single submitter. Criteria: GeneDx Variant Classification Process June 2021. Collection method: clinical testing. Allele origin: germline. Affected: yes.
Comment: In vitro functional assays demonstrated loss of CBS enzyme activity (Mayfield et al., 2012; Katsushima et al., 2006); Not observed at a significant frequency in large population cohorts (gnomAD); In silico analysis supports that this missense variant has a deleterious effect on protein structure/function; This variant is associated with the following publications: (PMID: 25087612, 25525159, 29352562, 22267502, 15365998, 16307898, 10338090)

Women's Health and Genetics/Laboratory Corporation of America, LabCorp
Classification: Pathogenic for Homocystinuria. Last evaluated: 2020-10-28. Review status: criteria provided, single submitter. Criteria: LabCorp Variant Classification Summary - May 2015. Collection method: clinical testing. Allele origin: germline.
Comment: Variant summary: CBS c.451G>A (p.Gly151Arg) results in a non-conservative amino acid change located in the Pyridoxal-phosphate dependent enzyme domain (IPR001926) of the encoded protein sequence. Five of five in-silico tools predict a damaging effect of the variant on protein function. This variant is located in an exonic splicing region. Several computational tools predict a significant impact on normal splicing: Four predict that the variant abolishes or weakens a canonical 5' splicing donor site. However, these predictions have yet to be confirmed by functional studies. The variant allele was found at a frequency of 1.2e-05 in 248820 control chromosomes. c.451G>A has been reported in the literature in multiple individuals affected with Homocystinuria (e.g. Kraus_1999, Linnebank_2004, Katsushima_2006, Poloni_2018). These data indicate that the variant is very likely to be associated with disease. Several publications report experimental evidence indicating that the variant results in severely reduced enzyme activity in-vitro when studied in E. coli or yeast models (e.g. Katsushima_2006, Singh_2010, Mayfield_2012). One clinical diagnostic laboratory has submitted clinical-significance assessments for this variant to ClinVar after 2014 without evidence for independent evaluation, citing the variant as pathogenic. Based on the evidence outlined above, the variant was classified as pathogenic.

PreventionGenetics, part of Exact Sciences
Classification: Pathogenic for CBS-related condition. Last evaluated: 2024-08-09. Review status: no assertion criteria provided. Collection method: clinical testing. Allele origin: germline. Not counted in ClinVar's aggregate classification.
Comment: The CBS c.451G>A variant is predicted to result in the amino acid substitution p.Gly151Arg. This variant was reported in the homozygous and compound heterozygous states in individuals with homocystinuria (Kraus et al. 1999. PubMed ID: 10338090; Katsushima et al. 2006. PubMed ID: 16307898; Poloni et al. 2018. PubMed ID: 29352562). Functional studies showed that this variant results in impaired enzyme activity and altered assembly of the CBS tetramer (Katsushima et al. 2006. PubMed ID: 16307898; Mayfield et al. 2012. PubMed ID: 22267502). This variant is reported in 0.0081% of alleles in individuals of African descent in gnomAD. This variant is interpreted as pathogenic.

Literature cited by the submitters: PubMed 10338090 (cited by 4 submitters); PubMed 16307898 (cited by 4 submitters); PubMed 29352562 (cited by 5 submitters); PubMed 15365998 (cited by 4 submitters); PubMed 22267502 (cited by 4 submitters); PubMed 20066033 (cited by Labcorp Genetics (formerly Invitae), Labcorp and Women's Health and Genetics/Laboratory Corporation of America, LabCorp); PubMed 17576681 (cited by Labcorp Genetics (formerly Invitae), Labcorp); PubMed 9536098 (cited by Labcorp Genetics (formerly Invitae), Labcorp).